The following is an entry in ClinVar:

ClinVar aggregate classification (germline): Uncertain significance. Review status: criteria provided, multiple submitters, no conflicts (2 of 4 stars). 2 submissions from 2 submitters: Uncertain significance (2). Last evaluated 2025-04-03.

Conditions:
Inborn genetic diseases. Identifiers: MedGen C0950123, MeSH D030342.

gnomAD v4.1: 13 of 1,614,028 alleles (0.00081%); highest among the groups gnomAD compares: Admixed American, 0.0017%; no homozygotes.

Submissions (2):

Ambry Genetics
Classification: Uncertain significance for Inborn genetic diseases. Last evaluated: 2025-04-03. Review status: criteria provided, single submitter. Criteria: Ambry Variant Classification Scheme 2023. Collection method: clinical testing. Allele origin: germline.

Labcorp Genetics (formerly Invitae), Labcorp
Classification: Uncertain significance. Last evaluated: 2024-12-04. Review status: criteria provided, single submitter. Criteria: Invitae Variant Classification Sherloc (09022015). Collection method: clinical testing. Allele origin: germline.
Comment: This sequence change replaces arginine, which is basic and polar, with cysteine, which is neutral and slightly polar, at codon 1193 of the COL4A2 protein (p.Arg1193Cys). This variant is present in population databases (rs746284597, gnomAD 0.002%). This variant has not been reported in the literature in individuals affected with COL4A2-related conditions. Invitae Evidence Modeling of protein sequence and biophysical properties (such as structural, functional, and spatial information, amino acid conservation, physicochemical variation, residue mobility, and thermodynamic stability) has been performed for this missense variant. However, the output from this modeling did not meet the statistical confidence thresholds required to predict the impact of this variant on COL4A2 protein function. In summary, the available evidence is currently insufficient to determine the role of this variant in disease. Therefore, it has been classified as a Variant of Uncertain Significance.

NM_001846.4(COL4A2):c.3577C>T (p.Arg1193Cys)

Gene: COL4A2 (collagen type IV alpha 2 chain; plus strand). Cytogenetic location: 13q34.
Variant type: single nucleotide variant.
Coding change: c.3577C>T on transcript NM_001846.4 (MANE Select); coding-DNA position 3577, C replaced by T.
Protein change: p.Arg1193Cys; replaces arginine 1193 with cysteine.
Molecular consequence: missense variant.
Genome position (GRCh38, 1-based): chr13:110,493,225, C>T. VCF-style: chr13-110493225-C-T. GRCh37 (hg19) VCF-style: chr13-111145572-C-T.
Other names: c.3577C>T (NM_001846.2); short protein forms R1193C.
Identifiers: ClinVar variation 3625636 (VCV003625636.3).
Genomic context (GRCh38, chr13:110,493,225, plus strand): 5'-ACACCCCCGCAGGTGAAATAAATAACGATGAGTGACACCCCCGCAGGTTTTCCGGGACTC[C>T]GTGGGATCCGCGGCTTACACGGCTTGCCAGGCACCAAGGGCTTTCCAGGATCCCCAGGTA-3'
Protein context (NP_001837.2, residues 1183-1203): APGLPGFPGL[Arg1193Cys]GIRGLHGLPG